The following is an entry in ClinVar:

NM_000391.4(TPP1):c.833A>G (p.Gln278Arg)

Gene: TPP1 (tripeptidyl peptidase 1; minus strand). Cytogenetic location: 11p15.4.
Variant type: single nucleotide variant.
Coding change: c.833A>G on transcript NM_000391.4 (MANE Select); coding-DNA position 833, A replaced by G.
Protein change: p.Gln278Arg; replaces glutamine 278 with arginine.
Molecular consequence: missense variant.
Genome position (GRCh38, 1-based): chr11:6,616,714, T>C on the plus strand (A>G on the coding strand, the complement: TPP1 is on the minus strand). VCF-style: chr11-6616714-T-C. GRCh37 (hg19) VCF-style: chr11-6637945-T-C.
Other names: p.Q278R:CAG>CGG; short protein forms Q278R.
Identifiers: ClinVar variation 207582 (VCV000207582.12), dbSNP rs796053439, ClinGen allele CA319191.

ClinVar aggregate classification (germline): Pathogenic/Likely pathogenic. Review status: criteria provided, multiple submitters, no conflicts (2 of 4 stars). 6 submissions from 6 submitters: Pathogenic (2); Likely pathogenic (3). 1 of the submissions does not count toward it. Last evaluated 2025-12-04.

Conditions:
Neuronal ceroid lipofuscinosis. Also called: Neuronal Ceroid Lipofuscinoses. Identifiers: Orphanet 216, Orphanet 79263, MedGen C0027877, MONDO:0016295. Disease mechanism: loss of function.
Neuronal ceroid lipofuscinosis 2. Also called: JANSKY-BIELSCHOWSKY DISEASE NEURONAL CEROID LIPOFUSCINOSIS, LATE INFANTILE; TPP1-Related Neuronal Ceroid-Lipofuscinosis. Identifiers: Orphanet 168491, Orphanet 228349, Orphanet 79264, MedGen C1876161, MONDO:0008769, OMIM 204500.

Allele frequency attached by ClinVar (database versions not stated): gnomAD 0.00001.
gnomAD v4.1: 4 of 1,613,972 alleles (0.00025%); highest among the groups gnomAD compares: Non-Finnish European, 0.00034%; no homozygotes.

Submissions (6):

Natera, Inc.
Classification: Likely pathogenic for Neuronal ceroid lipofuscinosis 2. Last evaluated: 2025-12-04. Review status: criteria provided, single submitter. Criteria: Natera Variant Classification Schema (03/2026). Collection method: clinical testing. Allele origin: germline.
Comment: The c.833A>G variant in TPP1 is a missense variant predicted to cause substitution of glutamine to arginine at amino acid 278. This variant is rare in the general population with a frequency below the threshold expected for the associated phenotype(s). This variant has been observed in one or more individuals affected with the associated recessive disease, as either homozygous or compound heterozygous with a second variant (PMID: 28554332, 22612257). Additionally, this variant has been observed to segregate in affected family members (PMID: 22612257). Computational prediction algorithms indicate this variant is likely to affect gene or protein function. Given the available evidence, this variant is classified as Likely Pathogenic.

Labcorp Genetics (formerly Invitae), Labcorp
Classification: Likely pathogenic. Last evaluated: 2023-12-16. Review status: criteria provided, single submitter. Criteria: Invitae Variant Classification Sherloc (09022015). Collection method: clinical testing. Allele origin: germline.
Comment: This sequence change replaces glutamine, which is neutral and polar, with arginine, which is basic and polar, at codon 278 of the TPP1 protein (p.Gln278Arg). The frequency data for this variant in the population databases is considered unreliable, as metrics indicate poor data quality at this position in the gnomAD database. This missense change has been observed in individual(s) with clinical features of neuronal ceroid lipofuscinosis (PMID: 22612257). In at least one individual the data is consistent with being in trans (on the opposite chromosome) from a pathogenic variant. It has also been observed to segregate with disease in related individuals. ClinVar contains an entry for this variant (Variation ID: 207582). Advanced modeling of protein sequence and biophysical properties (such as structural, functional, and spatial information, amino acid conservation, physicochemical variation, residue mobility, and thermodynamic stability) performed at Invitae indicates that this missense variant is expected to disrupt TPP1 protein function with a positive predictive value of 95%. In summary, the currently available evidence indicates that the variant is pathogenic, but additional data are needed to prove that conclusively. Therefore, this variant has been classified as Likely Pathogenic.

Women's Health and Genetics/Laboratory Corporation of America, LabCorp
Classification: Likely pathogenic for Neuronal ceroid lipofuscinosis. Last evaluated: 2023-05-15. Review status: criteria provided, single submitter. Criteria: LabCorp Variant Classification Summary - May 2015. Collection method: clinical testing. Allele origin: germline.
Comment: Variant summary: TPP1 c.833A>G (p.Gln278Arg) results in a conservative amino acid change located in the Sedolisin domain (IPR030400) of the encoded protein sequence. Four of five in-silico tools predict a damaging effect of the variant on protein function. The variant allele was found at a frequency of 4e-06 in 251460 control chromosomes. c.833A>G has been reported in the literature in compound heterozygous individuals affected with or with clinical features of Neuronal Ceroid-Lipofuscinosis (Batten Disease) including with evidence of familial segregation and in trans with a pathogenic variant (Lemke_2012, Bowling_2017, Lindy_2018). These data indicate that the variant may be associated with disease. To our knowledge, no experimental evidence demonstrating an impact on protein function has been reported. The following publications have been ascertained in the context of this evaluation (PMID: 28554332, 22612257, 29655203). Three clinical diagnostic laboratories have submitted clinical-significance assessments for this variant to ClinVar after 2014 without evidence for independent evaluation. All laboratories classified the variant as pathogenic (n=1) or likely pathogenic (n=2). Based on the evidence outlined above, the variant was classified as likely pathogenic.

HudsonAlpha Institute for Biotechnology
Classification: Pathogenic for Neuronal ceroid lipofuscinosis 2. Last evaluated: 2015-02-10. Review status: criteria provided, single submitter. Criteria: HA_assertions_20161101. Collection method: research. Allele origin: unknown. Affected: yes. Study: CSER-HudsonAlpha.

GeneDx
Classification: Pathogenic. Last evaluated: 2013-02-21. Review status: criteria provided, single submitter. Criteria: GeneDx Variant Classification (06012015). Collection method: clinical testing. Allele origin: germline. Affected: yes.
Comment: p.Gln278Arg (Q278R) CAG>CGG: c.833 A>G in exon 7 of the TPP1 gene (NM_000391.3)The Q278R missense mutation in the TPP1 gene has been reported previously in two siblings with myoclonicastatic epilepsy and abnormal TPP1 enzyme analysis who had a second disease-causing mutation on the other allele (Lemke et al., 2012). Additionally, a different missense substitution at the same codon, Q278P, has been reported as a disease-causing mutation in a patient with electron microscopy findings consistent with neuronal ceroid lipofuscinosis (Ju et al., 2002). The Q278R amino acid substitution is non-conservative, which is likely to impact secondary protein structure as these residues differ in polarity, charge, size and/or other properties. Therefore, Q278R is considered to be a disease-causing mutation. The variant is found in CHILD-EPI,PME-EPI panel(s).

Counsyl
Classification: Likely pathogenic for Neuronal ceroid lipofuscinosis 2. Last evaluated: 2018-03-27. Review status: no assertion criteria provided. Collection method: clinical testing. Allele origin: unknown. Not counted in ClinVar's aggregate classification.

Literature cited by the submitters: PubMed 28554332 (cited by 3 submitters); PubMed 22612257 (cited by 4 submitters); PubMed 29655203 (cited by Women's Health and Genetics/Laboratory Corporation of America, LabCorp).